The following is an entry in ClinVar:

ClinVar aggregate classification (germline): Uncertain significance (1 of 4 stars; one submission).

Allele frequency attached by ClinVar (database versions not stated): gnomAD 0.00001; gnomAD exomes 0.00001 and 0.00004; TOPMed 0.00001; ExAC 0.00004.
gnomAD v4.1: 9 of 1,613,370 alleles (0.00056%); highest among the groups gnomAD compares: East Asian, 0.02%; no homozygotes.

Submission:

Labcorp Genetics (formerly Invitae), Labcorp
Classification: Uncertain significance. Last evaluated: 2024-10-03. Review status: criteria provided, single submitter. Criteria: Invitae Variant Classification Sherloc (09022015). Collection method: clinical testing. Allele origin: germline.
Comment: This sequence change replaces alanine, which is neutral and non-polar, with glutamic acid, which is acidic and polar, at codon 465 of the ATR protein (p.Ala465Glu). This variant is present in population databases (rs749132375, gnomAD 0.05%). This variant has not been reported in the literature in individuals affected with ATR-related conditions. ClinVar contains an entry for this variant (Variation ID: 1395764). An algorithm developed to predict the effect of missense changes on protein structure and function (PolyPhen-2) suggests that this variant¬†is likely to be tolerated. In summary, the available evidence is currently insufficient to determine the role of this variant in disease. Therefore, it has been classified as a Variant of Uncertain Significance.

NM_001184.4(ATR):c.1394C>A (p.Ala465Glu)

Gene: ATR (ATR checkpoint kinase; minus strand). Cytogenetic location: 3q23.
Variant type: single nucleotide variant.
Coding change: c.1394C>A on transcript NM_001184.4 (MANE Select); coding-DNA position 1394, C replaced by A.
Protein change: p.Ala465Glu; replaces alanine 465 with glutamic acid.
Molecular consequence: missense variant. On other transcripts: intron variant (1).
Genome position (GRCh38, 1-based): chr3:142,560,410, G>T on the plus strand (C>A on the coding strand, the complement: ATR is on the minus strand). VCF-style: chr3-142560410-G-T. GRCh37 (hg19) VCF-style: chr3-142279252-G-T.
Other names: c.1349+833C>A (NM_001354579.2); short protein forms A465E.
Identifiers: ClinVar variation 1395764 (VCV001395764.5), dbSNP rs749132375, ClinGen allele CA2650604.
Genomic context (GRCh38, chr3:142,560,410, plus strand): 5'-GGATTCTTTAGGCCACTGTATTCAAGGGAAATCTGAAGGGATTCAGCTTTCTGTTTCAGT[G>T]CACTCCATAATATGCTCTTTTGGTTCATGTCCACATGTTTAATTCTATAATTATGAATAT-3'
Protein context (NP_001175.2, residues 455-475): DMNQKSILWS[Ala465Glu]LKQKAESLQI